The following is an entry in ClinVar:

NM_007294.4(BRCA1):c.30del (p.Val11fs)

Gene: BRCA1 (BRCA1 DNA repair associated; minus strand). Cytogenetic location: 17q21.31.
Variant type: Deletion.
Coding change: c.30del on transcript NM_007294.4 (MANE Select); coding-DNA position 30, one base deleted (A; older notation c.30delA).
Protein change: p.Val11fs; shifts the reading frame from valine 11.
Molecular consequence: frameshift variant. On other transcripts: 5 prime UTR variant (136), intron variant (36).
Genome position (GRCh38, 1-based): chr17:43,124,067, T deleted on the plus strand (A on the coding strand, the reverse complement: BRCA1 is on the minus strand); the first of 2 consecutive T bases (chr17:43,124,067-43,124,068); deleting either gives the same sequence. VCF-style (leftmost placement, unchanged base first): chr17-43124066-CT-C. GRCh37 (hg19) VCF-style: chr17-41276083-CT-C.
Other names: c.30del, p.Val11fs (NM_001408439.1, NM_001408440.1, NM_001408441.1 and 192 more transcripts); c.-231del (NM_001408452.1, NM_001408462.1, NM_001408463.1 and 22 more transcripts); c.-58del (NM_001408454.1, NM_001408459.1, NM_001408460.1 and 23 more transcripts); c.-228del (NM_001408455.1, NM_001408456.1, NM_001408468.1 and 11 more transcripts); c.-232del (NM_001408465.1, NM_001407695.1); c.-159del (NM_001408478.1, NM_001408479.1, NM_001408480.1 and 46 more transcripts); c.-304del (NM_001408482.1); c.-275del (NM_001408492.1, NM_001407889.1); and 24 more; short protein forms V11fs.
Identifiers: ClinVar variation 2692290 (VCV002692290.3), dbSNP rs2552278993, ClinGen allele CA2697559925.

ClinVar aggregate classification (germline): Pathogenic. Review status: criteria provided, single submitter (1 of 4 stars). 2 submissions from 2 submitters: Pathogenic (1). 1 of the submissions does not count toward it. Last evaluated 2024-10-16.

Conditions:
Breast-ovarian cancer, familial, susceptibility to, 1 (BROVCA1). Also called: BRCA1 Hereditary Breast and Ovarian Cancer; OVARIAN CANCER, SUSCEPTIBILITY TO. Identifiers: Orphanet 145, MedGen C2676676, MONDO:0011450, OMIM 604370. Disease mechanism: loss of function.
Hereditary breast ovarian cancer syndrome. Also called: Hereditary breast and ovarian cancer; Hereditary breast and ovarian cancer syndrome (HBOC); BRCA1- and BRCA2-Associated Hereditary Breast and Ovarian Cancer; Hereditary breast and ovarian cancer syndrome; Breast and ovarian cancer; Hereditary breast and/or ovarian cancer syndrome. Identifiers: Orphanet 145, MedGen C0677776, MeSH D061325, MONDO:0003582. Disease mechanism: loss of function.

Submissions (2):

Labcorp Genetics (formerly Invitae), Labcorp
Classification: Pathogenic for Hereditary breast ovarian cancer syndrome. Last evaluated: 2024-10-16. Review status: criteria provided, single submitter. Criteria: Invitae Variant Classification Sherloc (09022015). Collection method: clinical testing. Allele origin: germline.
Comment: This sequence change creates a premature translational stop signal (p.Val11Tyrfs*12) in the BRCA1 gene. It is expected to result in an absent or disrupted protein product. Loss-of-function variants in BRCA1 are known to be pathogenic (PMID: 20104584). This variant is not present in population databases (gnomAD no frequency). This variant has not been reported in the literature in individuals affected with BRCA1-related conditions. Algorithms developed to predict the effect of sequence changes on RNA splicing suggest that this variant may disrupt the consensus splice site. For these reasons, this variant has been classified as Pathogenic.

BRCAlab, Lund University
Classification: Pathogenic for Breast-ovarian cancer, familial, susceptibility to, 1. Last evaluated: 2020-03-02. Review status: no assertion criteria provided. Collection method: clinical testing. Allele origin: germline. Affected: yes. Not counted in ClinVar's aggregate classification.

Literature cited by the submitters: PubMed 20104584 (cited by Labcorp Genetics (formerly Invitae), Labcorp).